The following is an entry in ClinVar:

ClinVar aggregate classification (germline): Uncertain significance (1 of 4 stars; one submission).

Conditions:
Leigh syndrome (NULS). Also called: Leigh's necrotizing encephalopathy; Leigh's disease; Leigh Syndrome (mtDNA deletion); Leigh Disease; Subacute necrotizing encephalopathy; Necrotizing encephalopathy infantile subacute of Leigh. Identifiers: Orphanet 506, MedGen C2931891, MONDO:0009723, OMIM 256000.

Submission:

Wong Mito Lab, Molecular and Human Genetics, Baylor College of Medicine
Classification: Uncertain significance for Leigh syndrome. Last evaluated: 2019-10-17. Review status: criteria provided, single submitter. Criteria: Modified ACMG Guidelines (Unpublished). Collection method: clinical testing. Allele origin: germline.
Comment: The NC_012920.1:m.7084T>C (YP_003024028.1:p.Ile394Thr) variant in MTCO1 gene is interpretated to be a Uncertain Significance variant based on the modified ACMG guidelines (unpublished). This variant meets the following evidence codes: BP4

NC_012920.1(MT-CO1):m.7084T>C

Gene: MT-CO1 (mitochondrially encoded cytochrome c oxidase I; plus strand).
Variant type: single nucleotide variant.
Genome position: chrM-7084-T-C.
Identifiers: ClinVar variation 692699 (VCV000692699.1), dbSNP rs28445709, ClinGen allele CA337097549.